The following is an entry in ClinVar:

GRCh38/hg38 4q13.3(chr4:70727833-72040353)x3

Genes: DCK (deoxycytidine kinase; plus strand), GC (GC vitamin D binding protein; minus strand), GRSF1 (G-rich RNA sequence binding factor 1; minus strand), MOB1B (MOB kinase activator 1B; plus strand), NPFFR2 (neuropeptide FF receptor 2; plus strand) and 18 more. Cytogenetic location: 4q13.3.
Variant type: copy number gain.
Change: copy number 3 (three copies instead of two) of chr4:70,727,833-72,040,353 (1.31 Mb, GRCh38 coordinates, 1-based), cytogenetic band 4q13.3.
Identifiers: ClinVar variation 57862 (VCV000057862.1).

ClinVar aggregate classification (germline): Uncertain significance (1 of 4 stars; one submission).

Submission:

ISCA site 15
Classification: Uncertain significance. Last evaluated: 2011-08-12. Review status: criteria provided, single submitter. Criteria: Kaminsky et al. (Genet Med. 2011). Collection method: clinical testing. Allele origin: unknown. Affected: yes. Observed: 1 variant allele.
Comment: Copy number variation identified through the course of routine clinical cytogenomic testing in postnatal populations. Clinical assertions have been curated as described in Kaminsky et al. 2011.